The following is an entry in ClinVar:

NM_004168.4(SDHA):c.1786G>C (p.Asp596His)

Gene: SDHA (succinate dehydrogenase complex flavoprotein subunit A; plus strand). Cytogenetic location: 5p15.33.
Variant type: single nucleotide variant.
Coding change: c.1786G>C on transcript NM_004168.4 (MANE Select); coding-DNA position 1786, G replaced by C.
Protein change: p.Asp596His; replaces aspartic acid 596 with histidine.
Molecular consequence: missense variant. On other transcripts: intron variant (1).
Genome position (GRCh38, 1-based): chr5:251,460, G>C. VCF-style: chr5-251460-G-C. GRCh37 (hg19) VCF-style: chr5-251575-G-C.
Other names: c.1642G>C, p.Asp548His (NM_001294332.2); c.1552-2933G>C (NM_001330758.2); short protein forms D596H, D548H.
Identifiers: ClinVar variation 486383 (VCV000486383.13), dbSNP rs371304688, ClinGen allele CA359000449.

ClinVar aggregate classification (germline): Uncertain significance. Review status: criteria provided, multiple submitters, no conflicts (2 of 4 stars). 2 submissions from 2 submitters: Uncertain significance (2). Last evaluated 2025-11-05.

Conditions:
Hereditary cancer-predisposing syndrome. Also called: Neoplastic Syndromes, Hereditary; Hereditary Cancer Syndrome; Hereditary neoplastic syndrome; Tumor predisposition. Identifiers: Orphanet 140162, MedGen C0027672, MeSH D009386, MONDO:0015356.
Mitochondrial complex II deficiency, nuclear type 1. Also called: SUCCINATE CoQ REDUCTASE DEFICIENCY. Identifiers: Orphanet 3208, MedGen C5700310, MONDO:0100294, OMIM 252011.
Pheochromocytoma/paraganglioma syndrome 5. Also called: Paragangliomas 5; SDHA-Related Hereditary Paraganglioma-Pheochromocytoma Syndrome. Identifiers: Orphanet 29072, MedGen C3279992, MONDO:0013602, OMIM 614165.

Allele frequency attached by ClinVar (database versions not stated): gnomAD exomes below 0.00001.
gnomAD v4.1: 3 of 1,613,872 alleles (0.00019%); highest among the groups gnomAD compares: Admixed American, 0.0017%; no homozygotes.

Submissions (2):

Labcorp Genetics (formerly Invitae), Labcorp
Classification: Uncertain significance for Pheochromocytoma/paraganglioma syndrome 5; Mitochondrial complex II deficiency, nuclear type 1. Last evaluated: 2025-11-05. Review status: criteria provided, single submitter. Criteria: Invitae Variant Classification Sherloc (09022015). Collection method: clinical testing. Allele origin: germline.
Comment: This sequence change replaces aspartic acid, which is acidic and polar, with histidine, which is basic and polar, at codon 596 of the SDHA protein (p.Asp596His). This variant is not present in population databases (gnomAD no frequency). This variant has not been reported in the literature in individuals affected with SDHA-related conditions. ClinVar contains an entry for this variant (Variation ID: 486383). Invitae Evidence Modeling of protein sequence and biophysical properties (such as structural, functional, and spatial information, amino acid conservation, physicochemical variation, residue mobility, and thermodynamic stability) has been performed for this missense variant. However, the output from this modeling did not meet the statistical confidence thresholds required to predict the impact of this variant on SDHA protein function. In summary, the available evidence is currently insufficient to determine the role of this variant in disease. Therefore, it has been classified as a Variant of Uncertain Significance.

Ambry Genetics
Classification: Uncertain significance for Hereditary cancer-predisposing syndrome. Last evaluated: 2025-06-13. Review status: criteria provided, single submitter. Criteria: Ambry Variant Classification Scheme 2023. Collection method: clinical testing. Allele origin: germline.
Comment: The p.D596H variant (also known as c.1786G>C), located in coding exon 13 of the SDHA gene, results from a G to C substitution at nucleotide position 1786. The aspartic acid at codon 596 is replaced by histidine, an amino acid with similar properties. This amino acid position is highly conserved in available vertebrate species. In addition, this alteration is predicted to be deleterious by in silico analysis. Based on the available evidence, the clinical significance of this variant remains unclear.